The following is an entry in ClinVar:

ClinVar aggregate classification (germline): Likely benign. Review status: criteria provided, multiple submitters, no conflicts (2 of 4 stars). 2 submissions from 2 submitters: Likely benign (2). Last evaluated 2026-02-01.

Allele frequency attached by ClinVar (database versions not stated): gnomAD 0.00001; gnomAD exomes 0.00001 and 0.00002; TOPMed 0.00002; ExAC 0.00003.
gnomAD v4.1: 19 of 1,613,986 alleles (0.0012%); highest among the groups gnomAD compares: Middle Eastern, 0.016%; no homozygotes.

Submissions (2):

CeGaT Center for Human Genetics Tuebingen
Classification: Likely benign. Last evaluated: 2026-02-01. Review status: criteria provided, single submitter. Criteria: CeGaT Center For Human Genetics Tuebingen Variant Classification Criteria Version 2. Collection method: clinical testing. Allele origin: germline. Affected: yes. Observed: 1 variant allele.
Comment: POLR3A: BP4, BP7

Labcorp Genetics (formerly Invitae), Labcorp
Classification: Likely benign. Last evaluated: 2022-07-11. Review status: criteria provided, single submitter. Criteria: Invitae Variant Classification Sherloc (09022015). Collection method: clinical testing. Allele origin: germline.

NM_007055.4(POLR3A):c.819C>T (p.Gly273=)

Gene: POLR3A (RNA polymerase III subunit A; minus strand). Cytogenetic location: 10q22.3.
Variant type: single nucleotide variant.
Coding change: c.819C>T on transcript NM_007055.4 (MANE Select); coding-DNA position 819, C replaced by T.
Protein change: p.Gly273=; no amino-acid change (glycine 273 retained).
Molecular consequence: synonymous variant.
Genome position (GRCh38, 1-based): chr10:78,022,211, G>A on the plus strand (C>T on the coding strand, the complement: POLR3A is on the minus strand). VCF-style: chr10-78022211-G-A. GRCh37 (hg19) VCF-style: chr10-79781969-G-A.
Identifiers: ClinVar variation 1358623 (VCV001358623.10), dbSNP rs778876033, ClinGen allele CA5571603.
Genomic context (GRCh38, chr10:78,022,211, plus strand): 5'-AATAACATCGTTTAGGAAAATGATTTCTGTCAGTTTCATTGTCAGATCATCTTCATTGGT[G>A]CCAGACTTCAAATCACTCACAACGGAGGGTCTGATACACAAAGGAGGCACCAAAAGTCGT-3'
Protein context (NP_008986.2, residues 263-283): RPSVVSDLKS[Gly273=]TNEDDLTMKL